The following is an entry in ClinVar:

NM_001008212.2(OPTN):c.1304dup (p.Ala436fs)

Gene: OPTN (optineurin; plus strand). Cytogenetic location: 10p13.
Variant type: Duplication.
Coding change: c.1304dup on transcript NM_001008212.2 (MANE Select); coding-DNA position 1304, one base duplicated (A; older notation c.1304dupA).
Protein change: p.Ala436fs; shifts the reading frame from alanine 436.
Molecular consequence: frameshift variant.
Genome position (GRCh38, 1-based): chr10:13,127,806, A duplicated; the last of 2 consecutive A bases (chr10:13,127,805-13,127,806); duplicating either gives the same sequence. VCF-style (leftmost placement, unchanged base first): chr10-13127804-G-GA. GRCh37 (hg19) VCF-style: chr10-13169804-G-GA.
Other names: c.1304dup, p.Ala436fs (NM_001008211.1, NM_001008213.1, NM_021980.4); c.1304dupA (NM_021980.4); short protein forms A436fs.
Identifiers: ClinVar variation 817138 (VCV000817138.7), dbSNP rs1588449569, ClinGen allele CA915945849.
Genomic context (GRCh38, chr10:13,127,804, plus strand): 5'-GTCAGAAAAAGTGGACAGGGCAGTGCTGAAGGAACTGAGTGAAAAACTGGAACTGGCAGA[G>GA]AAGGCTCTGGCTTCCAAACAGCTGCAAATGGATGAAATGAAGCAAACCATTGCCAAGCAG-3'

ClinVar aggregate classification (germline): Pathogenic/Likely pathogenic. Review status: criteria provided, multiple submitters, no conflicts (2 of 4 stars). 2 submissions from 2 submitters: Pathogenic (1); Likely pathogenic (1). Last evaluated 2022-12-20.

Conditions:
Primary open angle glaucoma (POAG). Also called: OPTN-related open angle glaucoma. Identifiers: MedGen C0339573, MONDO:0100553, OMIM 137760.
Amyotrophic lateral sclerosis type 12 (ALS12). Also called: AMYOTROPHIC LATERAL SCLEROSIS 12 WITH OR WITHOUT FRONTOTEMPORAL DEMENTIA. Identifiers: Orphanet 803, MedGen C3150692, MONDO:0013264, OMIM 613435.
Glaucoma 1, open angle, E. Identifiers: MedGen C1842026, MONDO:0007665.

Submissions (2):

Labcorp Genetics (formerly Invitae), Labcorp
Classification: Pathogenic for Primary open angle glaucoma; Glaucoma 1, open angle, E; Amyotrophic lateral sclerosis type 12. Last evaluated: 2022-12-20. Review status: criteria provided, single submitter. Criteria: Invitae Variant Classification Sherloc (09022015). Collection method: clinical testing. Allele origin: germline.
Comment: For these reasons, this variant has been classified as Pathogenic. ClinVar contains an entry for this variant (Variation ID: 817138). This variant has not been reported in the literature in individuals affected with OPTN-related conditions. This variant is not present in population databases (gnomAD no frequency). This sequence change creates a premature translational stop signal (p.Ala436Glyfs*11) in the OPTN gene. It is expected to result in an absent or disrupted protein product. Loss-of-function variants in OPTN are known to be pathogenic (PMID: 20428114).

GeneDx
Classification: Likely pathogenic. Last evaluated: 2018-07-06. Review status: criteria provided, single submitter. Criteria: GeneDx Variant Classification (06012015). Collection method: clinical testing. Allele origin: germline. Affected: yes.
Comment: The c.1304dupA variant in the OPTN gene has not been reported previously as a pathogenic variant nor as a benign variant, to our knowledge. The c.1304dupA variant causes a frameshift starting with codon Alanine 436, changes this amino acid to a Glycine residue, and creates a premature Stop codon at position 11 of the new reading frame, denoted p.Ala436GlyfsX11. This variant is predicted to cause loss of normal protein function either through protein truncation or nonsense-mediated mRNA decay. The c.1304dupA variant is not observed in large population cohorts (Lek et al., 2016).

Literature cited by the submitters: PubMed 20428114 (cited by Labcorp Genetics (formerly Invitae), Labcorp).